The following is an entry in ClinVar:

ClinVar aggregate classification (germline): Uncertain significance. Review status: criteria provided, multiple submitters, no conflicts (2 of 4 stars). 2 submissions from 2 submitters: Uncertain significance (2). Last evaluated 2025-08-07.

Submissions (2):

Labcorp Genetics (formerly Invitae), Labcorp
Classification: Uncertain significance. Last evaluated: 2025-08-07. Review status: criteria provided, single submitter. Criteria: Invitae Variant Classification Sherloc (09022015). Collection method: clinical testing. Allele origin: germline.
Comment: This sequence change replaces aspartic acid, which is acidic and polar, with glycine, which is neutral and non-polar, at codon 425 of the FGFRL1 protein (p.Asp425Gly). This variant is present in population databases (rs374653229, gnomAD 0.02%). This variant has not been reported in the literature in individuals affected with FGFRL1-related conditions. ClinVar contains an entry for this variant (Variation ID: 4024771). An algorithm developed to predict the effect of missense changes on protein structure and function (PolyPhen-2) suggests that this variant is likely to be tolerated. In summary, the available evidence is currently insufficient to determine the role of this variant in disease. Therefore, it has been classified as a Variant of Uncertain Significance.

Ambry Genetics
Classification: Uncertain significance. Last evaluated: 2025-04-12. Review status: criteria provided, single submitter. Criteria: Ambry Variant Classification Scheme 2023. Collection method: clinical testing. Allele origin: germline.

NM_001004356.3(FGFRL1):c.1274A>G (p.Asp425Gly)

Gene: FGFRL1 (fibroblast growth factor receptor like 1; plus strand). Cytogenetic location: 4p16.3.
Variant type: single nucleotide variant.
Coding change: c.1274A>G on transcript NM_001004356.3 (MANE Select); coding-DNA position 1274, A replaced by G.
Protein change: p.Asp425Gly; replaces aspartic acid 425 with glycine.
Molecular consequence: missense variant.
Genome position (GRCh38, 1-based): chr4:1,025,106, A>G. VCF-style: chr4-1025106-A-G. GRCh37 (hg19) VCF-style: chr4-1018894-A-G.
Other names: c.1274A>G, p.Asp425Gly (NM_001004358.1, NM_001370296.1, NM_021923.3); short protein forms D425G.
Identifiers: ClinVar variation 4024771 (VCV004024771.2).
Genomic context (GRCh38, chr4:1,025,106, plus strand): 5'-CGTGCACCCCCGCGCCTGCCCCTCCCCTGCCTGGGCACCGCCCGCCGGGGACGGCCCGCG[A>G]CCGCAGCGGAGACAAGGACCTTCCCTCGTTGGCCGCCCTCAGCGCTGGCCCTGGTGTGGG-3'
Protein context (NP_001004356.1, residues 415-435): PGHRPPGTAR[Asp425Gly]RSGDKDLPSL